The following is an entry in ClinVar:

NM_001844.5(COL2A1):c.1331G>T (p.Gly444Val)

Gene: COL2A1 (collagen type II alpha 1 chain; minus strand). Cytogenetic location: 12q13.11.
Variant type: single nucleotide variant.
Coding change: c.1331G>T on transcript NM_001844.5 (MANE Select); coding-DNA position 1331, G replaced by T.
Protein change: p.Gly444Val; replaces glycine 444 with valine.
Molecular consequence: missense variant.
Genome position (GRCh38, 1-based): chr12:47,987,112, C>A on the plus strand (G>T on the coding strand, the complement: COL2A1 is on the minus strand). VCF-style: chr12-47987112-C-A. GRCh37 (hg19) VCF-style: chr12-48380895-C-A.
Other names: c.1124G>T, p.Gly375Val (NM_033150.3); short protein forms G375V, G444V.
Identifiers: ClinVar variation 994195 (VCV000994195.56), dbSNP rs1939463507, ClinGen allele CA384553834.
Genomic context (GRCh38, chr12:47,987,112, plus strand): 5'-ACTTGGGGGTCACTTTGGGCTCTTACCGTCTGACCTTTCGGGCCCAGAGGACCAGTTGCA[C>A]CTTGAGGGCCAGGAGGGCCCCGTGGCCCAGGGAAGCCAGGAGCACCAGCAATGCCAGGAG-3'
Protein context (NP_001835.3, residues 434-454): PGPRGPPGPQ[Gly444Val]ATGPLGPKGQ

ClinVar aggregate classification (germline): Pathogenic/Likely pathogenic. Review status: criteria provided, multiple submitters, no conflicts (2 of 4 stars). 3 submissions from 3 submitters: Pathogenic (1); Likely pathogenic (2). Last evaluated 2020-02-06.

Conditions:
COL2A1-related disorder. Also called: COL2A1-related condition; COL2A1-related disorders.

Submissions (3):

Labcorp Genetics (formerly Invitae), Labcorp
Classification: Pathogenic. Last evaluated: 2020-02-06. Review status: criteria provided, single submitter. Criteria: Invitae Variant Classification Sherloc (09022015). Collection method: clinical testing. Allele origin: germline.
Comment: Glycine residues within the Gly-Xaa-Yaa repeats of the triple helix domain are required for the structure and stability of fibrillar collagens (PMID: 7695699, 8218237, 19344236). In COL2A1, missense variants at these glycine residues are significantly enriched in individuals with disease (PMID: 10612821, 26443184) compared to the general population (ExAC). For these reasons, this variant has been classified as Pathogenic. This variant has been observed in individual(s) with clinical features of COL2A1-related conditions (Invitae). It has also been observed to segregate with disease in related individuals. This variant is not present in population databases (ExAC no frequency). This sequence change replaces glycine with valine at codon 444 of the COL2A1 protein (p.Gly444Val). The glycine residue is highly conserved and there is a moderate physicochemical difference between glycine and valine.

ARUP Laboratories, Molecular Genetics and Genomics, ARUP Laboratories
Classification: Likely pathogenic. Last evaluated: 2019-12-11. Review status: criteria provided, single submitter. Criteria: ARUP Molecular Germline Variant Investigation Process. Collection method: clinical testing. Allele origin: germline.
Comment: The COL2A1 c.1331G>T; p.Gly444Val variant, to our knowledge, is not reported in the medical literature or gene-specific databases. This variant is also absent from general population databases (Exome Variant Server, Genome Aggregation Database), indicating it is not a common polymorphism. The glycine at codon 444 is highly conserved, and computational analyses (SIFT, PolyPhen-2) predict that this variant is deleterious. This variant disrupts the repeating Gly-X-Y sequence motif of the collagen triple helix and is predicted to impair collagen function (Barat-Houari 2016). Indeed, another variant at this residue (p.Gly444Asp) has been reported in an individual affected with spondylo-epiphyseal dysplasia congenital (Terhal 2012). Based on available information, the p.Gly444Val variant is considered to be likely pathogenic. References: Barat-Houari M et al. Mutation Update for COL2A1 Gene Variants Associated with Type II Collagenopathies. Hum Mutat. 2016 Jan;37(1):7-15. Terhal PA et al. Mutation-based growth charts for SEDC and other COL2A1 related dysplasias. Am J Med Genet C Semin Med Genet. 2012 Aug 15;160C(3):205-16.

Blueprint Genetics
Classification: Likely pathogenic for COL2A1-related disorders. Last evaluated: 2018-07-20. Review status: criteria provided, single submitter. Criteria: ACMG Guidelines, 2015. Collection method: clinical testing. Allele origin: germline. Affected: yes. Observed: 1 variant allele.

Literature cited by the submitters: PubMed 7695699 (cited by Labcorp Genetics (formerly Invitae), Labcorp); PubMed 8218237 (cited by Labcorp Genetics (formerly Invitae), Labcorp); PubMed 19344236 (cited by Labcorp Genetics (formerly Invitae), Labcorp); PubMed 10612821 (cited by Labcorp Genetics (formerly Invitae), Labcorp); PubMed 26443184 (cited by Labcorp Genetics (formerly Invitae), Labcorp).